The following is an entry in ClinVar:

NM_020911.2(PLXNA4):c.2011C>T (p.Arg671Cys)

Gene: PLXNA4 (plexin A4; minus strand). Cytogenetic location: 7q32.3.
Variant type: single nucleotide variant.
Coding change: c.2011C>T on transcript NM_020911.2 (MANE Select); coding-DNA position 2011, C replaced by T.
Protein change: p.Arg671Cys; replaces arginine 671 with cysteine.
Molecular consequence: missense variant.
Genome position (GRCh38, 1-based): chr7:132,223,613, G>A on the plus strand (C>T on the coding strand, the complement: PLXNA4 is on the minus strand). VCF-style: chr7-132223613-G-A. GRCh37 (hg19) VCF-style: chr7-131908372-G-A.
Other names: c.2011C>T, p.Arg671Cys (NM_001393897.1); short protein forms R671C.
Identifiers: ClinVar variation 2635837 (VCV002635837.2), dbSNP rs199651527, ClinGen allele CA4489914.

ClinVar aggregate classification (germline): Uncertain significance (0 of 4 stars; one submission).

Conditions:
PLXNA4-related disorder. Also called: PLXNA4-related condition.

Allele frequency attached by ClinVar (database versions not stated): gnomAD 0.00007; ESP Exome Variant Server 0.00008; TOPMed 0.00010; 1000 Genomes Project 0.00040; 1000 Genomes Project 30x 0.00062.
gnomAD v4.1: 54 of 1,613,690 alleles (0.0033%); highest among the groups gnomAD compares: Admixed American, 0.025%; no homozygotes.

Submission:

PreventionGenetics, part of Exact Sciences
Classification: Uncertain significance for PLXNA4-related condition. Last evaluated: 2024-05-31. Review status: no assertion criteria provided. Collection method: clinical testing. Allele origin: germline.
Comment: The PLXNA4 c.2011C>T variant is predicted to result in the amino acid substitution p.Arg671Cys. To our knowledge, this variant has not been reported in the literature. This variant is reported in 0.0085% of alleles in individuals of Latino descent in gnomAD. At this time, the clinical significance of this variant is uncertain due to the absence of conclusive functional and genetic evidence.